The following is an entry in ClinVar:

ClinVar aggregate classification (germline): Likely benign. Review status: criteria provided, multiple submitters, no conflicts (2 of 4 stars). 4 submissions from 4 submitters: Likely benign (3). 1 of the submissions does not count toward it. Last evaluated 2026-01-25.

Conditions:
CDH23-related disorder. Also called: CDH23-related disorders; CDH23-related condition.
Usher syndrome type 1 (USH1). Also called: RETINITIS PIGMENTOSA AND CONGENITAL DEAFNESS. Identifiers: Orphanet 231169, Orphanet 886, MedGen C1568247, MONDO:0010168, OMIM 276900.

Allele frequency attached by ClinVar (database versions not stated): gnomAD 0.00006; TOPMed 0.00006; ExAC 0.00004; gnomAD exomes 0.00004.
gnomAD v4.1: 65 of 1,613,350 alleles (0.004%); highest among the groups gnomAD compares: Non-Finnish European, 0.005%; no homozygotes.

Submissions (4):

PreventionGenetics, part of Exact Sciences
Classification: Likely benign for CDH23-related condition. Last evaluated: 2026-01-25. Review status: criteria provided, single submitter. Criteria: ACMG Guidelines, 2015. Collection method: clinical testing. Allele origin: germline.
Comment: This variant is classified as likely benign based on ACMG/AMP sequence variant interpretation guidelines (Richards et al. 2015 PMID: 25741868, with internal and published modifications).

Labcorp Genetics (formerly Invitae), Labcorp
Classification: Likely benign. Last evaluated: 2026-01-18. Review status: criteria provided, single submitter. Criteria: Invitae Variant Classification Sherloc (09022015). Collection method: clinical testing. Allele origin: germline.

Blueprint Genetics
Classification: Likely benign. Last evaluated: 2024-11-21. Review status: criteria provided, single submitter. Criteria: ACMG Guidelines, 2015. Collection method: clinical testing. Allele origin: germline.

Natera, Inc.
Classification: Uncertain significance for Usher syndrome type 1. Last evaluated: 2020-07-08. Review status: no assertion criteria provided. Collection method: clinical testing. Allele origin: germline. Not counted in ClinVar's aggregate classification.

NM_022124.6(CDH23):c.8784C>T (p.Phe2928=)

Gene: CDH23 (cadherin related 23; plus strand). Cytogenetic location: 10q22.1.
Variant type: single nucleotide variant.
Coding change: c.8784C>T on transcript NM_022124.6 (MANE Select); coding-DNA position 8784, C replaced by T.
Protein change: p.Phe2928=; no amino-acid change (phenylalanine 2928 retained).
Molecular consequence: synonymous variant.
Genome position (GRCh38, 1-based): chr10:71,809,881, C>T. VCF-style: chr10-71809881-C-T. GRCh37 (hg19) VCF-style: chr10-73569638-C-T.
Other names: c.2064C>T, p.Phe688= (NM_001171933.1, NM_001171934.1); c.8784C>T (NM_022124.5).
Identifiers: ClinVar variation 990957 (VCV000990957.11), dbSNP rs755305739, ClinGen allele CA5546753.